The following is an entry in ClinVar:

NM_020408.5(LYRM4):c.-326C>T

Genes: FARS2 (phenylalanyl-tRNA synthetase 2, mitochondrial; plus strand), LYRM4 (LYR motif containing 4; minus strand). Cytogenetic location: 6p25.1.
Variant type: single nucleotide variant.
Coding change: c.-326C>T on transcript NM_020408.5; 326 bases upstream of the start codon, C replaced by T.
Molecular consequence: 5 prime UTR variant (on NM_001318872.2).
Genome position (GRCh38, 1-based): chr6:5,261,059, G>A on the plus strand (C>T on the coding strand, the complement: LYRM4 is on the minus strand). VCF-style: chr6-5261059-G-A. GRCh37 (hg19) VCF-style: chr6-5261292-G-A.
Other names: c.-321G>A (NM_001318872.2); c.-354G>A (NM_001374878.1).
Identifiers: ClinVar variation 676237 (VCV000676237.3), dbSNP rs13191012, ClinGen allele CA12222828.
Genomic context (GRCh38, chr6:5,261,059, plus strand): 5'-CCGATCCCGCCCCCGCCCGGAGGCTCGGGACCCAGCAGCCGCTCCACGCGGCGGGAGGGC[G>A]GGGAAATAAGAGGACTGGCCGCCCGTGCATCCAGCCAAGCTCCTGGCGGACGGATATCGG-3'

ClinVar aggregate classification (germline): Benign (1 of 4 stars; one submission).

Allele frequency attached by ClinVar (database versions not stated): 1000 Genomes Project 30x 0.35728; gnomAD exomes 0.25412; gnomAD 0.34864; 1000 Genomes Project 0.35124; TOPMed 0.38182.
gnomAD v4.1: 192,084 of 692,584 alleles (28%); highest among the groups gnomAD compares: African/African-American, 62%; 30,975 homozygotes.

Submission:

GeneDx
Classification: Benign. Last evaluated: 2018-06-14. Review status: criteria provided, single submitter. Criteria: GeneDx Variant Classification (06012015). Collection method: clinical testing. Allele origin: germline. Affected: yes.
Comment: This variant is considered likely benign or benign based on one or more of the following criteria: it is a conservative change, it occurs at a poorly conserved position in the protein, it is predicted to be benign by multiple in silico algorithms, and/or has population frequency not consistent with disease.